The following is an entry in ClinVar:

NM_000289.6(PFKM):c.1192-2A>G

Gene: PFKM (phosphofructokinase, muscle; plus strand). Cytogenetic location: 12q13.11.
Variant type: single nucleotide variant.
Coding change: c.1192-2A>G on transcript NM_000289.6 (MANE Select); the canonical splice acceptor site of the intron before coding-DNA position 1192, A replaced by G.
Molecular consequence: splice acceptor variant.
Genome position (GRCh38, 1-based): chr12:48,140,720, A>G. VCF-style: chr12-48140720-A-G. GRCh37 (hg19) VCF-style: chr12-48534503-A-G.
Other names: c.1216-2A>G (NM_001354741.2); c.1192-2A>G (NM_001354742.2, NM_001354743.2, NM_001354744.2 and 2 more transcripts); c.1042-2A>G (NM_001354747.2, NM_001354748.2); c.1405-2A>G (NM_001166686.2, NM_001354737.1, NM_001354739.1 and 1 more transcripts); c.1501-2A>G (NM_001354736.1, NM_001354735.1); c.1336-2A>G (NM_001354740.1); c.1105-2A>G (NM_001354745.2); c.1066-2A>G (NM_001354746.2); and 1 more.
Identifiers: ClinVar variation 2020943 (VCV002020943.5), dbSNP rs1316130438, ClinGen allele CA384550341.

ClinVar aggregate classification (germline): Likely pathogenic (1 of 4 stars; one submission).

Conditions:
Glycogen storage disease, type VII (GSD7). Also called: GSD VII; MUSCLE PHOSPHOFRUCTOKINASE DEFICIENCY; PFKM DEFICIENCY; TARUI DISEASE. Identifiers: Orphanet 371, MedGen C0017926, MONDO:0009295, OMIM 232800.

Allele frequency attached by ClinVar (database versions not stated): gnomAD exomes below 0.00001.
gnomAD v4.1: 2 of 1,614,028 alleles (0.00012%); highest among the groups gnomAD compares: Non-Finnish European, 0.00017%; no homozygotes.

Submission:

Labcorp Genetics (formerly Invitae), Labcorp
Classification: Likely pathogenic for Glycogen storage disease, type VII. Last evaluated: 2022-08-01. Review status: criteria provided, single submitter. Criteria: Invitae Variant Classification Sherloc (09022015). Collection method: clinical testing. Allele origin: germline.
Comment: In summary, the currently available evidence indicates that the variant is pathogenic, but additional data are needed to prove that conclusively. Therefore, this variant has been classified as Likely Pathogenic. Algorithms developed to predict the effect of sequence changes on RNA splicing suggest that this variant may disrupt the consensus splice site. This variant has not been reported in the literature in individuals affected with PFKM-related conditions. This variant is present in population databases (no rsID available, gnomAD 0.0009%). This sequence change affects an acceptor splice site in intron 13 of the PFKM gene. It is expected to disrupt RNA splicing. Variants that disrupt the donor or acceptor splice site typically lead to a loss of protein function (PMID: 16199547), and loss-of-function variants in PFKM are known to be pathogenic (PMID: 7825568, 8037209).

Literature cited by the submitters: PubMed 16199547; PubMed 7825568; PubMed 8037209.